The following is an entry in ClinVar:

NM_000368.5(TSC1):c.3024T>C (p.Asn1008=)

Gene: TSC1 (TSC complex subunit 1; minus strand). Cytogenetic location: 9q34.13.
Variant type: single nucleotide variant.
Coding change: c.3024T>C on transcript NM_000368.5 (MANE Select); coding-DNA position 3024, T replaced by C.
Protein change: p.Asn1008=; no amino-acid change (asparagine 1008 retained).
Molecular consequence: synonymous variant.
Genome position (GRCh38, 1-based): chr9:132,896,706, A>G on the plus strand (T>C on the coding strand, the complement: TSC1 is on the minus strand). VCF-style: chr9-132896706-A-G. GRCh37 (hg19) VCF-style: chr9-135772093-A-G.
Other names: c.3021T>C, p.Asn1007= (NM_001162426.2); c.2871T>C, p.Asn957= (NM_001162427.2); c.2661T>C, p.Asn887= (NM_001362177.2).
Identifiers: ClinVar variation 767373 (VCV000767373.12), dbSNP rs142954164, ClinGen allele CA035675.

ClinVar aggregate classification (germline): Benign/Likely benign. Review status: criteria provided, multiple submitters, no conflicts (2 of 4 stars). 4 submissions from 4 submitters: Benign (1); Likely benign (3). Last evaluated 2025-08-28.

Conditions:
Tuberous sclerosis syndrome (TSC). Also called: Tuberous Sclerosis Complex; Tuberous sclerosis. Identifiers: Orphanet 805, MedGen C0041341, MONDO:0001734.
Tuberous sclerosis 1 (TSC1). Identifiers: Orphanet 805, MedGen C1854465, MONDO:0008612, OMIM 191100.
Hereditary cancer-predisposing syndrome. Also called: Neoplastic Syndromes, Hereditary; Hereditary neoplastic syndrome; Tumor predisposition; Hereditary Cancer Syndrome. Identifiers: Orphanet 140162, MedGen C0027672, MeSH D009386, MONDO:0015356.

Submissions (4):

Labcorp Genetics (formerly Invitae), Labcorp
Classification: Likely benign for Tuberous sclerosis 1. Last evaluated: 2025-08-28. Review status: criteria provided, single submitter. Criteria: Invitae Variant Classification Sherloc (09022015). Collection method: clinical testing. Allele origin: germline.

Myriad Genetics, Inc.
Classification: Benign for Tuberous sclerosis 1. Last evaluated: 2025-04-29. Review status: criteria provided, single submitter. Criteria: Myriad Autosomal Dominant, Autosomal Recessive and X-Linked Classification Criteria (2023). Collection method: clinical testing. Allele origin: unknown.
Comment: This variant is considered benign. This variant is a silent/synonymous amino acid change and it is not expected to impact splicing.

Ambry Genetics
Classification: Likely benign for Hereditary cancer-predisposing syndrome. Last evaluated: 2025-04-22. Review status: criteria provided, single submitter. Criteria: Ambry Variant Classification Scheme 2023. Collection method: clinical testing. Allele origin: germline.

All of Us Research Program, National Institutes of Health
Classification: Likely benign for Tuberous sclerosis syndrome. Last evaluated: 2024-05-14. Review status: criteria provided, single submitter. Criteria: ACMG Guidelines, 2015. Collection method: clinical testing. Allele origin: germline. Inheritance: Autosomal dominant inheritance. Observed: 1 variant allele, 1 heterozygote.
Comment: This study involves interpretation of variants in research participants for the purpose of population health screening. Participant phenotype was not available at the time of variant classification. Additional details can be found in publication PMID: 35346344, PMCID: PMC8962531